The following is an entry in ClinVar:

ClinVar aggregate classification (germline): Likely pathogenic (1 of 4 stars; one submission).

Allele frequency attached by ClinVar (database versions not stated): gnomAD 0.00001.
gnomAD v4.1: 7 of 1,128,357 alleles (0.00062%); highest among the groups gnomAD compares: Admixed American, 0.0026%; no homozygotes.

Submission:

Labcorp Genetics (formerly Invitae), Labcorp
Classification: Likely pathogenic. Last evaluated: 2022-09-01. Review status: criteria provided, single submitter. Criteria: Invitae Variant Classification Sherloc (09022015). Collection method: clinical testing. Allele origin: germline.
Comment: This sequence change affects a donor splice site in intron 3 of the CFP gene. It is expected to disrupt RNA splicing. Variants that disrupt the donor or acceptor splice site typically lead to a loss of protein function (PMID: 16199547), and loss-of-function variants in CFP are known to be pathogenic (PMID: 8530058, 9476131, 10698340, 10909851, 19328743, 22229731). This variant is not present in population databases (gnomAD no frequency). In summary, the currently available evidence indicates that the variant is pathogenic, but additional data are needed to prove that conclusively. Therefore, this variant has been classified as Likely Pathogenic. Algorithms developed to predict the effect of sequence changes on RNA splicing suggest that this variant may disrupt the consensus splice site. ClinVar contains an entry for this variant (Variation ID: 1497106). This variant has not been reported in the literature in individuals affected with CFP-related conditions.

Literature cited by the submitters: PubMed 16199547; PubMed 8530058; PubMed 9476131; PubMed 10698340; PubMed 10909851; PubMed 19328743; PubMed 22229731.

NM_001145252.3(CFP):c.227+2T>G

Gene: CFP (complement factor properdin; minus strand). Cytogenetic location: Xp11.23.
Variant type: single nucleotide variant.
Coding change: c.227+2T>G on transcript NM_001145252.3 (MANE Select); the canonical splice donor site of the intron after coding-DNA position 227, T replaced by G.
Molecular consequence: splice donor variant.
Genome position (GRCh38, 1-based): chrX:47,629,522, A>C on the plus strand (T>G on the coding strand, the complement: CFP is on the minus strand). VCF-style: chrX-47629522-A-C. GRCh37 (hg19) VCF-style: chrX-47488921-A-C.
Other names: c.227+2T>G (NM_002621.2).
Identifiers: ClinVar variation 1497106 (VCV001497106.6), dbSNP rs1317275240, ClinGen allele CA412839283.